The following is an entry in ClinVar:

ClinVar aggregate classification (germline): Pathogenic (1 of 4 stars; one submission).

Conditions:
Familial intrahepatic cholestasis. Identifiers: Orphanet 284385, MedGen CN296401, MONDO:0017290.

Submission:

Genomenon, Inc
Classification: Pathogenic for Familial intrahepatic cholestasis. Last evaluated: 2026-04-14. Review status: criteria provided, single submitter. Criteria: Genomenon Sequence Variant Interpretation Standards - Updated. Collection method: curation. Allele origin: germline. Affected: yes.
Comment: ATP8B1 p.Leu122TyrfsTer24 (c.365del) is a frameshift variant that results in the production of a truncated protein which is predicted to undergo nonsense-mediated mRNA decay. This variant has been observed in at least one proband with features of ATP8B1-deficiency (PMID:39419571). It is absent or not present at a significant frequency in gnomAD. In conclusion, we classify ATP8B1 p.Leu122TyrfsTer24 (c.365del) as a pathogenic variant.

Literature cited by the submitters: PubMed 39419571.

NM_001374385.1(ATP8B1):c.365del (p.Leu122fs)

Gene: ATP8B1 (ATPase phospholipid transporting 8B1; minus strand). Cytogenetic location: 18q21.31.
Variant type: Deletion.
Coding change: c.365del on transcript NM_001374385.1 (MANE Select); coding-DNA position 365, one base deleted (T; older notation c.365delT).
Protein change: p.Leu122fs; shifts the reading frame from leucine 122.
Molecular consequence: frameshift variant.
Genome position (GRCh38, 1-based): chr18:57,704,583, A deleted on the plus strand (T on the coding strand, the reverse complement: ATP8B1 is on the minus strand); the first of 3 consecutive A bases (chr18:57,704,583-57,704,585); deleting any one gives the same sequence. VCF-style (leftmost placement, unchanged base first): chr18-57704582-TA-T. GRCh37 (hg19) VCF-style: chr18-55371814-TA-T.
Other names: c.215del, p.Leu72fs (NM_001374386.1); c.365del, p.Leu122fs (NM_005603.6); short protein forms L122fs, L72fs.
Identifiers: ClinVar variation 4846249 (VCV004846249.1).